The following is an entry in ClinVar:

NM_000342.4(SLC4A1):c.1102_1118del (p.Pro368fs)

Gene: SLC4A1 (solute carrier family 4 member 1 (Diego blood group); minus strand). Cytogenetic location: 17q21.31.
Variant type: Deletion.
Coding change: c.1102_1118del on transcript NM_000342.4 (MANE Select); coding-DNA positions 1102 to 1118, 17 bases deleted (CCAGATGACCCTCTGCA).
Protein change: p.Pro368fs; shifts the reading frame from proline 368.
Molecular consequence: frameshift variant.
Genome position (GRCh38, 1-based): chr17:44,258,150-44,258,166, TGCAGAGGGTCATCTGG deleted on the plus strand (CCAGATGACCCTCTGCA on the coding strand, the reverse complement: SLC4A1 is on the minus strand). VCF-style (leftmost placement, unchanged base first): chr17-44258149-CTGCAGAGGGTCATCTGG-C. GRCh37 (hg19) VCF-style: chr17-42335517-CTGCAGAGGGTCATCTGG-C.
Other names: short protein forms P368fs.
Identifiers: ClinVar variation 4533257 (VCV004533257.1).

ClinVar aggregate classification (germline): Pathogenic (1 of 4 stars; one submission).

Conditions:
Inherited distal renal tubular acidosis. Also called: Hereditary Distal Renal Tubular Acidosis. Identifiers: MedGen CN380239, MONDO:1060161.

Submission:

Clinical Genetics and Genomics Laboratory, Noor Shahriyar Hospital
Classification: Pathogenic for Inherited distal renal tubular acidosis. Last evaluated: 2015-05-05. Review status: criteria provided, single submitter. Criteria: ACMG Guidelines, 2015. Collection method: clinical testing. Allele origin: biparental. Affected: yes.
Comment: The NM_000342.4(kAE1):c.1102_1118del, is a nonsense variant in SLC4A1 which is predicted to result in dRTA1 due to a premature stop codon at position 388, and likely results in an absent or disrupted protein product (2015 ACMG guidelines).

Literature cited by the submitters: PubMed 25957428.